The following is an entry in ClinVar:

NM_015570.4(AUTS2):c.2800A>G (p.Lys934Glu)

Gene: AUTS2 (activator of transcription and developmental regulator AUTS2; plus strand). Cytogenetic location: 7q11.22.
Variant type: single nucleotide variant.
Coding change: c.2800A>G on transcript NM_015570.4 (MANE Select); coding-DNA position 2800, A replaced by G.
Protein change: p.Lys934Glu; replaces lysine 934 with glutamic acid.
Molecular consequence: missense variant.
Genome position (GRCh38, 1-based): chr7:70,790,016, A>G. VCF-style: chr7-70790016-A-G. GRCh37 (hg19) VCF-style: chr7-70255002-A-G.
Other names: c.2800A>G (NM_015570.3); c.2728A>G, p.Lys910Glu (NM_001127231.3); short protein forms K910E, K934E.
Identifiers: ClinVar variation 4185891 (VCV004185891.3).

ClinVar aggregate classification (germline): Uncertain significance. Review status: criteria provided, multiple submitters, no conflicts (2 of 4 stars). 3 submissions from 3 submitters: Uncertain significance (3). Last evaluated 2026-02-12.

Conditions:
AUTS2-related disorder. Also called: AUTS2-related condition.
Inborn genetic diseases. Identifiers: MedGen C0950123, MeSH D030342.

gnomAD v4.1: 15 of 1,592,630 alleles (0.00094%); highest among the groups gnomAD compares: African/African-American, 0.0027%; no homozygotes.

Submissions (3):

PreventionGenetics, part of Exact Sciences
Classification: Uncertain significance for AUTS2-related condition. Last evaluated: 2026-02-12. Review status: criteria provided, single submitter. Criteria: ACMG Guidelines, 2015. Collection method: clinical testing. Allele origin: germline.
Comment: The AUTS2 c.2800A>G variant is predicted to result in the amino acid substitution p.Lys934Glu. To our knowledge, this variant has not been reported in the literature. This variant is reported in 0.0045% of alleles in individuals of European (Non-Finnish) descent in gnomAD. At this time, the clinical significance of this variant is uncertain due to the absence of conclusive functional and genetic evidence.

Labcorp Genetics (formerly Invitae), Labcorp
Classification: Uncertain significance. Last evaluated: 2025-07-15. Review status: criteria provided, single submitter. Criteria: Invitae Variant Classification Sherloc (09022015). Collection method: clinical testing. Allele origin: germline.
Comment: This sequence change replaces lysine, which is basic and polar, with glutamic acid, which is acidic and polar, at codon 934 of the AUTS2 protein (p.Lys934Glu). This variant is present in population databases (rs771409160, gnomAD 0.005%). This variant has not been reported in the literature in individuals affected with AUTS2-related conditions. Invitae Evidence Modeling of protein sequence and biophysical properties (such as structural, functional, and spatial information, amino acid conservation, physicochemical variation, residue mobility, and thermodynamic stability) indicates that this missense variant is not expected to disrupt AUTS2 protein function with a negative predictive value of 80%. In summary, the available evidence is currently insufficient to determine the role of this variant in disease. Therefore, it has been classified as a Variant of Uncertain Significance.

Ambry Genetics
Classification: Uncertain significance for Inborn genetic diseases. Last evaluated: 2025-07-14. Review status: criteria provided, single submitter. Criteria: Ambry Variant Classification Scheme 2023. Collection method: clinical testing. Allele origin: germline.